The following is an entry in ClinVar:

ClinVar aggregate classification (germline): Uncertain significance. Review status: criteria provided, single submitter (1 of 4 stars). 2 submissions from 2 submitters: Uncertain significance (1). 1 of the submissions does not count toward it. Last evaluated 2023-12-17.

Conditions:
SEMA3G-related disorder. Also called: SEMA3G-related condition.

Allele frequency attached by ClinVar (database versions not stated): ExAC 0.00001; gnomAD 0.00001; gnomAD exomes 0.00001; TOPMed 0.00005.
gnomAD v4.1: 11 of 1,613,768 alleles (0.00068%); highest among the groups gnomAD compares: Non-Finnish European, 0.00076%; no homozygotes.

Submissions (2):

Ambry Genetics
Classification: Uncertain significance. Last evaluated: 2023-12-17. Review status: criteria provided, single submitter. Criteria: Ambry Variant Classification Scheme 2023. Collection method: clinical testing. Allele origin: germline.

PreventionGenetics, part of Exact Sciences
Classification: Uncertain significance for SEMA3G-related condition. Last evaluated: 2024-03-13. Review status: no assertion criteria provided. Collection method: clinical testing. Allele origin: germline. Not counted in ClinVar's aggregate classification.
Comment: The SEMA3G c.274G>A variant is predicted to result in the amino acid substitution p.Glu92Lys. To our knowledge, this variant has not been reported in the literature. This variant is reported in 0.0023% of alleles in individuals of European (Non-Finnish) descent in gnomAD. At this time, the clinical significance of this variant is uncertain due to the absence of conclusive functional and genetic evidence.

NM_020163.3(SEMA3G):c.274G>A (p.Glu92Lys)

Gene: SEMA3G (semaphorin 3G; minus strand). Cytogenetic location: 3p21.1.
Variant type: single nucleotide variant.
Coding change: c.274G>A on transcript NM_020163.3 (MANE Select); coding-DNA position 274, G replaced by A.
Protein change: p.Glu92Lys; replaces glutamic acid 92 with lysine.
Molecular consequence: missense variant.
Genome position (GRCh38, 1-based): chr3:52,442,749, C>T on the plus strand (G>A on the coding strand, the complement: SEMA3G is on the minus strand). VCF-style: chr3-52442749-C-T. GRCh37 (hg19) VCF-style: chr3-52476765-C-T.
Other names: c.274G>A (NM_020163.2); short protein forms E92K.
Identifiers: ClinVar variation 3159754 (VCV003159754.2), dbSNP rs776144589, ClinGen allele CA2438408.